The following is an entry in ClinVar:

NM_024649.5(BBS1):c.773del (p.Asp258fs)

Genes: BBS1 (Bardet-Biedl syndrome 1; plus strand), ZDHHC24 (zDHHC palmitoyltransferase 24; minus strand). Cytogenetic location: 11q13.2.
Variant type: Deletion.
Coding change: c.773del on transcript NM_024649.5 (MANE Select); coding-DNA position 773, one base deleted (A; older notation c.773delA).
Protein change: p.Asp258fs; shifts the reading frame from aspartic acid 258.
Molecular consequence: frameshift variant. On other transcripts: 3 prime UTR variant (1).
Genome position (GRCh38, 1-based): chr11:66,521,319, A deleted. VCF-style (leftmost placement, unchanged base first): chr11-66521318-GA-G. GRCh37 (hg19) VCF-style: chr11-66288789-GA-G.
Other names: c.*169del (NM_001348571.2); short protein forms D258fs.
Identifiers: ClinVar variation 4912400 (VCV004912400.2).

ClinVar aggregate classification (germline): Pathogenic/Likely pathogenic. Review status: criteria provided, multiple submitters, no conflicts (2 of 4 stars). 2 submissions from 2 submitters: Pathogenic (1); Likely pathogenic (1). Last evaluated 2024-09-02.

Conditions:
Bardet-Biedl syndrome 1 (BBS1). Identifiers: MedGen C2936862, MONDO:0008854, OMIM 209900. Disease mechanism: loss of function.
BBS1-related disorder. Also called: BBS1-related condition.

Submissions (2):

Myriad Genetics, Inc.
Classification: Pathogenic for Bardet-Biedl syndrome 1. Last evaluated: 2024-09-02. Review status: criteria provided, single submitter. Criteria: Myriad Autosomal Dominant, Autosomal Recessive and X-Linked Classification Criteria (2023). Collection method: clinical testing. Allele origin: unknown.
Comment: NM_024649.4(BBS1):c.773delA(D258Vfs*18) is expected to be pathogenic in the context of Bardet-Biedl syndrome, BBS1-related. This variant is predicted to lead to an abnormal or absent protein product due to the creation of a premature termination codon in BBS1, a gene where loss-of-function variants are known to be pathogenic. Please note: this variant was assessed in the context of healthy population screening.

Blueprint Genetics
Classification: Likely pathogenic for BBS1-related disorders. Last evaluated: 2020-01-28. Review status: criteria provided, single submitter. Criteria: ACMG Guidelines, 2015. Collection method: clinical testing. Allele origin: germline. Affected: yes. Observed: 1 variant allele.